The following is an entry in ClinVar:

NM_014946.4(SPAST):c.1291del (p.Arg431fs)

Gene: SPAST (spastin; plus strand). Cytogenetic location: 2p22.3.
Variant type: Deletion.
Coding change: c.1291del on transcript NM_014946.4 (MANE Select); coding-DNA position 1291, one base deleted (C; older notation c.1291delC).
Protein change: p.Arg431fs; shifts the reading frame from arginine 431.
Molecular consequence: frameshift variant.
Genome position (GRCh38, 1-based): chr2:32,136,608, C deleted. VCF-style (leftmost placement, unchanged base first): chr2-32136607-TC-T. GRCh37 (hg19) VCF-style: chr2-32361676-TC-T.
Other names: c.1288del, p.Arg430fs (NM_001363823.2); c.1192del, p.Arg398fs (NM_001363875.2); c.1195del, p.Arg399fs (NM_199436.2, NM_001377959.1); short protein forms R399fs, R430fs, R431fs, R398fs.
Identifiers: ClinVar variation 2018978 (VCV002018978.4), dbSNP rs2465883117, ClinGen allele CA2580066405.

ClinVar aggregate classification (germline): Pathogenic (1 of 4 stars; one submission).

Conditions:
Hereditary spastic paraplegia 4. Also called: Spastic paraplegia 4, autosomal dominant; Spastic Paraplegia 4; Familial spastic paraplegia autosomal dominant 2. Identifiers: Orphanet 100985, MedGen C1866855, MONDO:0008438, OMIM 182601.

Submission:

Labcorp Genetics (formerly Invitae), Labcorp
Classification: Pathogenic for Hereditary spastic paraplegia 4. Last evaluated: 2022-07-22. Review status: criteria provided, single submitter. Criteria: Invitae Variant Classification Sherloc (09022015). Collection method: clinical testing. Allele origin: germline.
Comment: For these reasons, this variant has been classified as Pathogenic. This variant has not been reported in the literature in individuals affected with SPAST-related conditions. This variant is not present in population databases (gnomAD no frequency). This sequence change creates a premature translational stop signal (p.Arg431Glufs*7) in the SPAST gene. It is expected to result in an absent or disrupted protein product. Loss-of-function variants in SPAST are known to be pathogenic (PMID: 20932283).

Literature cited by the submitters: PubMed 20932283.